The following is an entry in ClinVar:

NM_007327.4(GRIN1):c.2209G>A (p.Glu737Lys)

Gene: GRIN1 (glutamate ionotropic receptor NMDA type subunit 1; plus strand). Cytogenetic location: 9q34.3.
Variant type: single nucleotide variant.
Coding change: c.2209G>A on transcript NM_007327.4 (MANE Select); coding-DNA position 2209, G replaced by A.
Protein change: p.Glu737Lys; replaces glutamic acid 737 with lysine.
Molecular consequence: missense variant.
Genome position (GRCh38, 1-based): chr9:137,163,206, G>A. VCF-style: chr9-137163206-G-A. GRCh37 (hg19) VCF-style: chr9-140057658-G-A.
Other names: c.2209G>A, p.Glu737Lys (NM_000832.7, NM_021569.4); c.2272G>A, p.Glu758Lys (NM_001185090.2, NM_001185091.2); short protein forms E737K, E758K.
Identifiers: ClinVar variation 3544383 (VCV003544383.1).

ClinVar aggregate classification (germline): Pathogenic (1 of 4 stars; one submission).

Conditions:
Neurodevelopmental disorder with or without hyperkinetic movements and seizures, autosomal dominant. Also called: Intellectual disability, autosomal dominant 8. Identifiers: MedGen C3280282, MONDO:0013655, OMIM 614254.

Submission:

Institute of Human Genetics, University of Leipzig Medical Center
Classification: Pathogenic for Neurodevelopmental disorder with or without hyperkinetic movements and seizures, autosomal dominant. Last evaluated: 2025-01-06. Review status: criteria provided, single submitter. Criteria: ACMG Guidelines, 2015. Collection method: clinical testing. Allele origin: de novo. Inheritance: Autosomal dominant inheritance. Affected: yes. Observed: 1 heterozygote.
Comment: Criteria applied: PS2_MOD, PS3, PM1, PM2, PP2, PP3. This variant was identified as de novo (maternity and paternity confirmed). Functional analysis performed by the Center of Functional Evaluation of Rare Variants (CVERV, Traynelis Lab, Emory) showed a "likely Gain-of-function" effect of the variant on the NMDAR